The following is an entry in ClinVar:

ClinVar aggregate classification (germline): Conflicting classifications of pathogenicity. Review status: criteria provided, conflicting classifications (1 of 4 stars). 8 submissions from 8 submitters: Uncertain significance (6); Benign (1); Likely benign (1). Last evaluated 2025-10-21.

Conditions:
Tuberous sclerosis 2 (TSC2). Identifiers: Orphanet 805, MedGen C1860707, MONDO:0013199, OMIM 613254.
Lymphangiomyomatosis (LAM). Also called: Lymphangioleiomyomatosis, somatic; Lymphangioleiomyomatosis. Identifiers: Orphanet 538, MedGen C0751674, MONDO:0011705, OMIM 606690.
Isolated focal cortical dysplasia type II (FCORD2). Also called: CORTICAL DYSPLASIA OF TAYLOR; Focal cortical dysplasia type II. Identifiers: Orphanet 268994, MedGen C1846385, MONDO:0011818, OMIM 607341, HP:0032051.
Hereditary cancer-predisposing syndrome. Also called: Neoplastic Syndromes, Hereditary; Hereditary Cancer Syndrome; Tumor predisposition; Hereditary neoplastic syndrome. Identifiers: Orphanet 140162, MedGen C0027672, MeSH D009386, MONDO:0015356.
Tuberous sclerosis syndrome (TSC). Also called: Tuberous Sclerosis Complex; Tuberous sclerosis. Identifiers: Orphanet 805, MedGen C0041341, MONDO:0001734.

gnomAD v4.1: 17 of 1,613,426 alleles (0.0011%); highest among the groups gnomAD compares: South Asian, 0.0022%; no homozygotes.

Submissions (8):

Labcorp Genetics (formerly Invitae), Labcorp
Classification: Benign for Tuberous sclerosis 2. Last evaluated: 2025-10-21. Review status: criteria provided, single submitter. Criteria: Invitae Variant Classification Sherloc (09022015). Collection method: clinical testing. Allele origin: germline.

Blueprint Genetics
Classification: Uncertain significance. Last evaluated: 2024-07-25. Review status: criteria provided, single submitter. Criteria: ACMG Guidelines, 2015. Collection method: clinical testing. Allele origin: germline.

All of Us Research Program, National Institutes of Health
Classification: Uncertain significance for Tuberous sclerosis syndrome. Last evaluated: 2024-04-16. Review status: criteria provided, single submitter. Criteria: ACMG Guidelines, 2015. Collection method: clinical testing. Allele origin: germline. Inheritance: Autosomal dominant inheritance. Observed: 5 variant alleles, 5 heterozygotes.
Comment: This missense variant replaces glutamic acid with lysine at codon 532 of the TSC2 protein. Computational prediction suggests that this variant may not impact protein structure and function (internally defined REVEL score threshold <= 0.5, PMID: 27666373). To our knowledge, functional studies have not been reported for this variant. This variant has not been reported in individuals affected with tuberous sclerosis complex in the literature. This variant has been identified in 2/250922 chromosomes in the general population by the Genome Aggregation Database (gnomAD). The available evidence is insufficient to determine the role of this variant in disease conclusively. Therefore, this variant is classified as a Variant of Uncertain Significance.

This study involves interpretation of variants in research participants for the purpose of population health screening. Participant phenotype was not available at the time of variant classification. Additional details can be found in publication PMID: 35346344, PMCID: PMC8962531

Fulgent Genetics
Classification: Uncertain significance for Lymphangiomyomatosis; Isolated focal cortical dysplasia type II; Tuberous sclerosis 2. Last evaluated: 2024-04-10. Review status: criteria provided, single submitter. Criteria: ACMG Guidelines, 2015. Collection method: clinical testing. Allele origin: germline.

Color Diagnostics, LLC DBA Color Health
Classification: Uncertain significance for Tuberous sclerosis syndrome. Last evaluated: 2024-03-06. Review status: criteria provided, single submitter. Criteria: ACMG Guidelines, 2015. Collection method: clinical testing. Allele origin: germline.
Comment: This missense variant replaces glutamic acid with lysine at codon 532 of the TSC2 protein. Computational prediction suggests that this variant may not impact protein structure and function. To our knowledge, functional studies have not been reported for this variant. This variant has not been reported in individuals affected with tuberous sclerosis complex in the literature. This variant has been identified in 2/250922 chromosomes in the general population by the Genome Aggregation Database (gnomAD). The available evidence is insufficient to determine the role of this variant in disease conclusively. Therefore, this variant is classified as a Variant of Uncertain Significance.

GeneDx
Classification: Uncertain significance. Last evaluated: 2023-06-08. Review status: criteria provided, single submitter. Criteria: GeneDx Variant Classification Process June 2021. Collection method: clinical testing. Allele origin: germline. Affected: yes.
Comment: In silico analysis supports that this missense variant has a deleterious effect on protein structure/function; Has not been previously published as pathogenic or benign to our knowledge

Ambry Genetics
Classification: Likely benign for Hereditary cancer-predisposing syndrome. Last evaluated: 2022-12-09. Review status: criteria provided, single submitter. Criteria: Ambry Variant Classification Scheme 2023. Collection method: clinical testing. Allele origin: germline.

Genome-Nilou Lab
Classification: Uncertain significance for Tuberous sclerosis 2. Last evaluated: 2021-11-07. Review status: criteria provided, single submitter. Criteria: ACMG Guidelines, 2015. Collection method: clinical testing. Allele origin: germline. Affected: no.

NM_000548.5(TSC2):c.1594G>A (p.Glu532Lys)

Gene: TSC2 (TSC complex subunit 2; plus strand). Cytogenetic location: 16p13.3.
Variant type: single nucleotide variant.
Coding change: c.1594G>A on transcript NM_000548.5 (MANE Select); coding-DNA position 1594, G replaced by A.
Protein change: p.Glu532Lys; replaces glutamic acid 532 with lysine.
Molecular consequence: missense variant.
Genome position (GRCh38, 1-based): chr16:2,064,422, G>A. VCF-style: chr16-2064422-G-A. GRCh37 (hg19) VCF-style: chr16-2114423-G-A.
Other names: p.E532K:GAG>AAG; c.1594G>A, p.Glu532Lys (NM_001077183.3, NM_001114382.3, NM_001363528.2 and 3 more transcripts); c.1483G>A, p.Glu495Lys (NM_001318827.2); c.1447G>A, p.Glu483Lys (NM_001318829.2); c.994G>A, p.Glu332Lys (NM_001318831.2); c.1627G>A, p.Glu543Lys (NM_001318832.2); short protein forms E532K, E483K, E332K, E495K, E543K.
Identifiers: ClinVar variation 207718 (VCV000207718.25), dbSNP rs149222396, ClinGen allele CA319449.